The following is an entry in ClinVar:

NM_005263.5(GFI1):c.551G>A (p.Ser184Asn)

Gene: GFI1 (growth factor independent 1 transcriptional repressor; minus strand). Cytogenetic location: 1p22.1.
Variant type: single nucleotide variant.
Coding change: c.551G>A on transcript NM_005263.5 (MANE Select); coding-DNA position 551, G replaced by A.
Protein change: p.Ser184Asn; replaces serine 184 with asparagine.
Molecular consequence: missense variant.
Genome position (GRCh38, 1-based): chr1:92,480,836, C>T on the plus strand (G>A on the coding strand, the complement: GFI1 is on the minus strand). VCF-style: chr1-92480836-C-T. GRCh37 (hg19) VCF-style: chr1-92946393-C-T.
Other names: c.551G>A, p.Ser184Asn (NM_001127215.3, NM_001127216.3); short protein forms S184N.
Identifiers: ClinVar variation 5022365 (VCV005022365.1).

ClinVar aggregate classification (germline): Uncertain significance (1 of 4 stars; one submission).

Submission:

Ambry Genetics
Classification: Uncertain significance. Last evaluated: 2026-06-21. Review status: criteria provided, single submitter. Criteria: Ambry Variant Classification Scheme 2023. Collection method: clinical testing. Allele origin: germline.
Comment: The p.S184N variant (also known as c.551G>A), located in coding exon 3 of the GFI1 gene, results from a G to A substitution at nucleotide position 551. The serine at codon 184 is replaced by asparagine, an amino acid with highly similar properties. This amino acid position is conserved. In addition, this alteration is predicted to be tolerated by in silico analysis. Based on the available evidence, the clinical significance of this variant remains unclear.